The following is an entry in ClinVar:

ClinVar aggregate classification (germline): Uncertain significance. Review status: criteria provided, multiple submitters, no conflicts (2 of 4 stars). 2 submissions from 2 submitters: Uncertain significance (2). Last evaluated 2023-07-10.

Conditions:
CAMK2B-related disorder. Also called: CAMK2B-related condition.

gnomAD v4.1: 1 of 1,612,446 alleles (0.000062%); highest among the groups gnomAD compares: Non-Finnish European, 0.000085%; no homozygotes.

Submissions (2):

PreventionGenetics, part of Exact Sciences
Classification: Uncertain significance for CAMK2B-related condition. Last evaluated: 2023-07-10. Review status: criteria provided, single submitter. Criteria: ACMG Guidelines, 2015. Collection method: clinical testing. Allele origin: germline.
Comment: The CAMK2B c.1921C>T variant is predicted to result in the amino acid substitution p.Arg641Cys. To our knowledge, this variant has not been reported in the literature or in a large population database, indicating this variant is rare. At this time, the clinical significance of this variant is uncertain due to the absence of conclusive functional and genetic evidence.

GeneDx
Classification: Uncertain significance. Last evaluated: 2022-04-11. Review status: criteria provided, single submitter. Criteria: GeneDx Variant Classification Process June 2021. Collection method: clinical testing. Allele origin: germline. Affected: yes.
Comment: Not observed at significant frequency in large population cohorts (gnomAD); In silico analysis supports that this missense variant has a deleterious effect on protein structure/function; Has not been previously published as pathogenic or benign to our knowledge; This variant is associated with the following publications: (PMID: 27535533)

NM_001220.5(CAMK2B):c.1921C>T (p.Arg641Cys)

Gene: CAMK2B (calcium/calmodulin dependent protein kinase II beta; minus strand). Cytogenetic location: 7p13.
Variant type: single nucleotide variant.
Coding change: c.1921C>T on transcript NM_001220.5 (MANE Select); coding-DNA position 1921, C replaced by T.
Protein change: p.Arg641Cys; replaces arginine 641 with cysteine.
Molecular consequence: missense variant.
Genome position (GRCh38, 1-based): chr7:44,220,142, G>A on the plus strand (C>T on the coding strand, the complement: CAMK2B is on the minus strand). VCF-style: chr7-44220142-G-A. GRCh37 (hg19) VCF-style: chr7-44259741-G-A.
Other names: c.1549C>T, p.Arg517Cys (NM_001293170.2, NM_172078.3); c.1477C>T, p.Arg493Cys (NM_172079.3); c.1474C>T, p.Arg492Cys (NM_172080.3); c.1432C>T, p.Arg478Cys (NM_172081.3); c.1399C>T, p.Arg467Cys (NM_172082.3); c.1360C>T, p.Arg454Cys (NM_172083.3); c.1270C>T, p.Arg424Cys (NM_172084.3); short protein forms R424C, R454C, R467C, R478C, R492C, R493C, R517C, R641C.
Identifiers: ClinVar variation 1676332 (VCV001676332.3), dbSNP rs2128857849, ClinGen allele CA367368190.
Genomic context (GRCh38, chr7:44,220,142, plus strand): 5'-GCGCGCCCGAGCAGTGGAAGTGCACGTTCTGCCACTTGCCGTCGCGGCGGTGCCACACGC[G>A]GGTCTCCTCAGACTGGCTGGTGCGGGGCCGGCCCTGCCCGTCAATGTACTGCGTGAGCCG-3'
Protein context (NP_001211.3, residues 631-651): RPRTSQSEET[Arg641Cys]VWHRRDGKWQ